The following is an entry in ClinVar:

ClinVar aggregate classification (germline): Benign. Review status: criteria provided, single submitter (1 of 4 stars). 2 submissions from 1 submitter: Benign (2). Last evaluated 2018-01-13.

Conditions:
Amyotrophic lateral sclerosis type 4 (ALS4). Also called: AMYOTROPHIC LATERAL SCLEROSIS 4, JUVENILE; NEURONOPATHY, DISTAL HEREDITARY MOTOR, WITH PYRAMIDAL FEATURES. Identifiers: Orphanet 357043, MedGen C1865409, MONDO:0011223, OMIM 602433.
Spinocerebellar ataxia, autosomal recessive, with axonal neuropathy 2 (SCAN2). Also called: ATAXIA-OCULOMOTOR APRAXIA 2; Ataxia-ocular apraxia-2; Ataxia with Oculomotor Apraxia; Ataxia with Oculomotor Apraxia Type 2. Identifiers: Orphanet 64753, MedGen C1853761, MONDO:0018996, OMIM 606002.

Allele frequency attached by ClinVar (database versions not stated): 1000 Genomes Project 0.01178; 1000 Genomes Project 30x 0.01374; gnomAD 0.01518 and 0.01647; TOPMed 0.01760.

Submissions (2):

Illumina Laboratory Services, Illumina
Classification: Benign for Spinocerebellar ataxia, autosomal recessive, with axonal neuropathy 2. Last evaluated: 2018-01-13. Review status: criteria provided, single submitter. Criteria: ICSL Variant Classification Criteria 13 December 2019. Collection method: clinical testing. Allele origin: germline.
Comment: This variant was observed in the ICSL laboratory as part of a predisposition screen in an ostensibly healthy population. It had not been previously curated by ICSL or reported in the Human Gene Mutation Database (HGMD: prior to June 1st, 2018), and was therefore a candidate for classification through an automated scoring system. Utilizing variant allele frequency, disease prevalence and penetrance estimates, and inheritance mode, an automated score was calculated to assess if this variant is too frequent to cause the disease. Based on the score and internal cut-off values, a variant classified as benign is not then subjected to further curation. The score for this variant resulted in a classification of benign for this disease.

Illumina Laboratory Services, Illumina
Classification: Benign for Amyotrophic lateral sclerosis type 4. Last evaluated: 2018-01-13. Review status: criteria provided, single submitter. Criteria: ICSL Variant Classification Criteria 13 December 2019. Collection method: clinical testing. Allele origin: germline.
Comment: the same text as in the submission from Illumina Laboratory Services, Illumina above.

NM_015046.7(SETX):c.*1052T>A

Gene: SETX (senataxin; minus strand). Cytogenetic location: 9q34.13.
Variant type: single nucleotide variant.
Coding change: c.*1052T>A on transcript NM_015046.7 (MANE Select); 1052 bases downstream of the stop codon, T replaced by A.
Molecular consequence: 3 prime UTR variant.
Genome position (GRCh38, 1-based): chr9:132,263,187, A>T on the plus strand (T>A on the coding strand, the complement: SETX is on the minus strand). VCF-style: chr9-132263187-A-T. GRCh37 (hg19) VCF-style: chr9-135138574-A-T.
Other names: c.*1052T>A (NM_001351527.2, NM_001351528.2).
Identifiers: ClinVar variation 365321 (VCV000365321.5), dbSNP rs12349210, ClinGen allele CA10626620.